The following is an entry in ClinVar:

ClinVar aggregate classification (germline): Uncertain significance (1 of 4 stars; one submission).

Conditions:
Encephalopathy, progressive, with amyotrophy and optic atrophy (PEAMO). Identifiers: MedGen C4310667, MONDO:0014968, OMIM 617207.

Allele frequency attached by ClinVar (database versions not stated): TOPMed 0.00001; gnomAD 0.00002.

Submission:

Victorian Clinical Genetics Services, Murdoch Childrens Research Institute
Classification: Uncertain significance for Encephalopathy, progressive, with amyotrophy and optic atrophy. Last evaluated: 2020-05-26. Review status: criteria provided, single submitter. Criteria: ACMG Guidelines, 2015. Collection method: clinical testing. Allele origin: germline. Inheritance: Autosomal recessive inheritance.
Comment: Based on the classification scheme VCGS_Germline_v1.1.1, this variant is classified as VUS – 3B. Following criteria are met: 0102 - Loss-of-function is a known mechanism of disease for this gene. (N) 0106 - This gene is known to be associated with autosomal recessive disease. (N) 0205 - Variant is predicted to result in a truncated protein with less than 1/3 of the protein affected (exon 16 of 17). (P) 0251 - Variant is heterozygous. (N) 0304 - Variant is present in gnomAD <0.01 for a recessive condition (4 heterozygotes, 0 homozygotes). (P) 0600 - Variant is predicted to truncate part of the ubiquitin-like domain (PDB, NCBI). (N) 0705 - No comparable variants have previous evidence for pathogenicity. (N) 0807 - Variant has not previously been reported in a clinical context. (N) 0905 - No segregation evidence has been identified for this variant. (N) 1007 - No published functional evidence has been identified for this variant. (N) 1208 - Inheritance information for this variant is not currently available. (N) Legend: (P) - Pathogenic, (N) - Neutral, (B) - Benign

NM_003193.5(TBCE):c.1410_1434dup (p.Ser479fs)

Genes: B3GALNT2 (beta-1,3-N-acetylgalactosaminyltransferase 2; minus strand), TBCE (tubulin folding cofactor E; plus strand). Cytogenetic location: 1q42.3.
Variant type: Duplication.
Coding change: c.1410_1434dup on transcript NM_003193.5 (MANE Select); coding-DNA positions 1410 to 1434, 25 bases duplicated (AATTCAAAAGGTGAAGGGATTGCTG).
Protein change: p.Ser479fs; shifts the reading frame from serine 479.
Molecular consequence: frameshift variant. On other transcripts: 3 prime UTR variant (1).
Genome position (GRCh38, 1-based): chr1:235,448,359-235,448,383, AATTCAAAAGGTGAAGGGATTGCTG duplicated. VCF-style (leftmost placement, unchanged base first): chr1-235448358-C-CAATTCAAAAGGTGAAGGGATTGCTG. GRCh37 (hg19) VCF-style: chr1-235611673-C-CAATTCAAAAGGTGAAGGGATTGCTG.
Other names: c.*1823_*1847dup (NM_152490.5); c.1410_1434dup, p.Ser479fs (NM_001079515.3); c.1563_1587dup, p.Ser530fs (NM_001287801.2); c.1071_1095dup, p.Ser366fs (NM_001287802.2); short protein forms S366fs, S479fs, S530fs.
Identifiers: ClinVar variation 1806069 (VCV001806069.1), dbSNP rs1253540549, ClinGen allele CA529650585.